The following is an entry in ClinVar:

NM_004333.6(BRAF):c.981-14C>A

Genes: BRAF (B-Raf proto-oncogene, serine/threonine kinase; minus strand), LOC126860202 (BRD4-independent group 4 enhancer GRCh37_chr7:140493623-140494822; plus strand). Cytogenetic location: 7q34.
Variant type: single nucleotide variant.
Coding change: c.981-14C>A on transcript NM_004333.6 (MANE Select); 14 bases into the intron before coding-DNA position 981, C replaced by A.
Molecular consequence: intron variant.
Genome position (GRCh38, 1-based): chr7:140,794,481, G>T on the plus strand (C>A on the coding strand, the complement: BRAF is on the minus strand). VCF-style: chr7-140794481-G-T. GRCh37 (hg19) VCF-style: chr7-140494281-G-T.
Other names: c.981-14C>A (NM_001378474.1, NM_001378471.1, NM_001378468.1 and 4 more transcripts); c.879-14C>A (NM_001378470.1); c.717-14C>A (NM_001378475.1); c.990-14C>A (NM_001378467.1); c.825-14C>A (NM_001378472.1, NM_001378473.1).
Identifiers: ClinVar variation 359049 (VCV000359049.13), dbSNP rs200002171, ClinGen allele CA4516837.

ClinVar aggregate classification (germline): Conflicting classifications of pathogenicity. Review status: criteria provided, conflicting classifications (1 of 4 stars). 5 submissions from 4 submitters: Uncertain significance (2); Likely benign (3). Last evaluated 2026-02-01.

Conditions:
Noonan syndrome 7 (NS7). Also called: BRAF-Related Noonan Syndrome. Identifiers: Orphanet 648, MedGen C3150970, MONDO:0013379, OMIM 613706.
LEOPARD syndrome 3 (LPRD3). Identifiers: Orphanet 500, MedGen C3150971, MONDO:0013380, OMIM 613707.
RASopathy. Also called: rasopathies; Noonan spectrum disorder. Identifiers: Orphanet 536391, MedGen C5555857, MONDO:0021060.

Allele frequency attached by ClinVar (database versions not stated): ExAC 0.00001; gnomAD 0.00001; gnomAD exomes 0.00001; TOPMed 0.00001.
gnomAD v4.1: 13 of 1,613,012 alleles (0.00081%); highest among the groups gnomAD compares: Middle Eastern, 0.016%; no homozygotes.

Submissions (5):

Labcorp Genetics (formerly Invitae), Labcorp
Classification: Likely benign for RASopathy. Last evaluated: 2026-02-01. Review status: criteria provided, single submitter. Criteria: Invitae Variant Classification Sherloc (09022015). Collection method: clinical testing. Allele origin: germline.

ARUP Laboratories, Molecular Genetics and Genomics, ARUP Laboratories
Classification: Likely benign. Last evaluated: 2025-03-27. Review status: criteria provided, single submitter. Criteria: ARUP Molecular Germline Variant Investigation Process 2024. Collection method: clinical testing. Allele origin: germline.

Illumina Laboratory Services, Illumina
Classification: Uncertain significance for LEOPARD syndrome 3. Last evaluated: 2018-01-13. Review status: criteria provided, single submitter. Criteria: ICSL Variant Classification Criteria 13 December 2019. Collection method: clinical testing. Allele origin: germline.

Illumina Laboratory Services, Illumina
Classification: Uncertain significance for Noonan syndrome 7. Last evaluated: 2018-01-13. Review status: criteria provided, single submitter. Criteria: ICSL Variant Classification Criteria 13 December 2019. Collection method: clinical testing. Allele origin: germline.

GeneDx
Classification: Likely benign. Last evaluated: 2016-03-31. Review status: criteria provided, single submitter. Criteria: GeneDx Variant Classification (06012015). Collection method: clinical testing. Allele origin: germline. Affected: yes.
Comment: This variant is considered likely benign or benign based on one or more of the following criteria: it is a conservative change, it occurs at a poorly conserved position in the protein, it is predicted to be benign by multiple in silico algorithms, and/or has population frequency not consistent with disease.